The following is an entry in ClinVar:

ClinVar aggregate classification (germline): Conflicting classifications of pathogenicity. Review status: criteria provided, conflicting classifications (1 of 4 stars). 3 submissions from 3 submitters: Uncertain significance (1); Likely benign (1). 1 of the submissions does not count toward it. Last evaluated 2020-02-01.

Conditions:
CFAP43-related disorder. Also called: CFAP43-related condition.

Allele frequency attached by ClinVar (database versions not stated): 1000 Genomes Project 0.00020; 1000 Genomes Project 30x 0.00031; gnomAD exomes 0.00169; ExAC 0.00175; TOPMed 0.00184; gnomAD 0.00210; ESP Exome Variant Server 0.00277.
gnomAD v4.1: 4,743 of 1,610,538 alleles (0.29%); highest among the groups gnomAD compares: Non-Finnish European, 0.39%; 15 homozygotes.

Submissions (3):

CeGaT Center for Human Genetics Tuebingen
Classification: Uncertain significance. Last evaluated: 2020-02-01. Review status: criteria provided, single submitter. Criteria: CeGaT Center For Human Genetics Tuebingen Variant Classification Criteria Version 2. Collection method: clinical testing. Allele origin: germline. Affected: yes. Observed: 1 variant allele.

Labcorp Genetics (formerly Invitae), Labcorp
Classification: Likely benign. Last evaluated: 2019-12-31. Review status: criteria provided, single submitter. Criteria: Invitae Variant Classification Sherloc (09022015). Collection method: clinical testing. Allele origin: germline.

PreventionGenetics, part of Exact Sciences
Classification: Likely benign for CFAP43-related condition. Last evaluated: 2022-02-01. Review status: no assertion criteria provided. Collection method: clinical testing. Allele origin: germline. Not counted in ClinVar's aggregate classification.
Comment: This variant is classified as likely benign based on ACMG/AMP sequence variant interpretation guidelines (Richards et al. 2015 PMID: 25741868, with internal and published modifications).

NM_025145.7(CFAP43):c.745G>T (p.Asp249Tyr)

Gene: CFAP43 (cilia and flagella associated protein 43; minus strand). Cytogenetic location: 10q25.1.
Variant type: single nucleotide variant.
Coding change: c.745G>T on transcript NM_025145.7 (MANE Select); coding-DNA position 745, G replaced by T.
Protein change: p.Asp249Tyr; replaces aspartic acid 249 with tyrosine.
Molecular consequence: missense variant.
Genome position (GRCh38, 1-based): chr10:104,207,815, C>A on the plus strand (G>T on the coding strand, the complement: CFAP43 is on the minus strand). VCF-style: chr10-104207815-C-A. GRCh37 (hg19) VCF-style: chr10-105967573-C-A.
Other names: c.745G>T (NM_025145.6); short protein forms D249Y.
Identifiers: ClinVar variation 773520 (VCV000773520.45), dbSNP rs41291844, ClinGen allele CA5681121.